The following is an entry in ClinVar:

ClinVar aggregate classification (germline): Uncertain significance (1 of 4 stars; one submission).

Submission:

Clinical Genomics Laboratory, Washington University in St. Louis
Classification: Uncertain significance. Last evaluated: 2023-08-24. Review status: criteria provided, single submitter. Criteria: ACMG Guidelines, 2015. Collection method: clinical testing. Allele origin: germline.
Comment: The JMJD1C c.6745C>T (p.Gln2249Ter) variant, to our knowledge, has not been reported in the medical literature. The variant is predicted to result in nonsense mediated decay. The variant is absent from the general population (gnomAD v2.1.1), indicating it is not a common variant. Due to limited information, the clinical significance of this variant is uncertain.

NM_032776.3(JMJD1C):c.6745C>T (p.Gln2249Ter)

Gene: JMJD1C (jumonji domain containing 1C; minus strand). Cytogenetic location: 10q21.3.
Variant type: single nucleotide variant.
Coding change: c.6745C>T on transcript NM_032776.3 (MANE Select); coding-DNA position 6745, C replaced by T.
Protein change: p.Gln2249Ter; replaces glutamine 2249 with a stop codon.
Molecular consequence: nonsense. On other transcripts: non-coding transcript variant (1).
Genome position (GRCh38, 1-based): chr10:63,185,648, G>A on the plus strand (C>T on the coding strand, the complement: JMJD1C is on the minus strand). VCF-style: chr10-63185648-G-A. GRCh37 (hg19) VCF-style: chr10-64945408-G-A.
Other names: c.6199C>T, p.Gln2067Ter (NM_001282948.2, NM_001318154.2); c.5881C>T, p.Gln1961Ter (NM_001318153.2); c.6631C>T, p.Gln2211Ter (NM_001322252.2); c.6088C>T, p.Gln2030Ter (NM_001322254.2, NM_001322258.2); short protein forms Q1961*, Q2030*, Q2067*, Q2211*, Q2249*.
Identifiers: ClinVar variation 2672227 (VCV002672227.1), dbSNP rs2492353936, ClinGen allele CA377021894.